The following is an entry in ClinVar:

ClinVar aggregate classification (germline): Likely pathogenic (1 of 4 stars; one submission).

Submission:

Labcorp Genetics (formerly Invitae), Labcorp
Classification: Likely pathogenic. Last evaluated: 2020-03-06. Review status: criteria provided, single submitter. Criteria: Invitae Variant Classification Sherloc (09022015). Collection method: clinical testing. Allele origin: germline.
Comment: This sequence change affects an acceptor splice site in intron 38 of the CACNA1F gene. It is expected to disrupt RNA splicing and likely results in an absent or disrupted protein product. This variant is not present in population databases (ExAC no frequency). This variant has not been reported in the literature in individuals with CACNA1F-related conditions. Algorithms developed to predict the effect of sequence changes on RNA splicing suggest that this variant may disrupt the consensus splice site, but this prediction has not been confirmed by published transcriptional studies. Donor and acceptor splice site variants typically lead to a loss of protein function (PMID: 16199547), and loss-of-function variants in CACNA1F are known to be pathogenic (PMID: 9662399, 11281458, 17525176, 22194652, 24124559, 26992781). In summary, the currently available evidence indicates that the variant is pathogenic, but additional data are needed to prove that conclusively. Therefore, this variant has been classified as Likely Pathogenic.

Literature cited by the submitters: PubMed 16199547; PubMed 9662399; PubMed 11281458; PubMed 17525176; PubMed 22194652; PubMed 24124559; PubMed 26992781.

NM_001256789.3(CACNA1F):c.4486-1G>C

Genes: CACNA1F (calcium voltage-gated channel subunit alpha1 F; minus strand), LOC126863257 (BRD4-independent group 4 enhancer GRCh37_chrX:49065732-49066931; plus strand). Cytogenetic location: Xp11.23.
Variant type: single nucleotide variant.
Coding change: c.4486-1G>C on transcript NM_001256789.3 (MANE Select); the canonical splice acceptor site of the intron before coding-DNA position 4486, G replaced by C.
Molecular consequence: splice acceptor variant.
Genome position (GRCh38, 1-based): chrX:49,210,404, C>G on the plus strand (G>C on the coding strand, the complement: CACNA1F is on the minus strand). VCF-style: chrX-49210404-C-G. GRCh37 (hg19) VCF-style: chrX-49066864-C-G.
Other names: c.4519-1G>C (NM_005183.4); c.4324-1G>C (NM_001256790.3).
Identifiers: ClinVar variation 1068032 (VCV001068032.7), dbSNP rs2147895770, ClinGen allele CA412960908.